The following is an entry in ClinVar:

ClinVar aggregate classification (germline): Uncertain significance. Review status: criteria provided, multiple submitters, no conflicts (2 of 4 stars). 2 submissions from 2 submitters: Uncertain significance (2). Last evaluated 2025-11-08.

Conditions:
Mosaic variegated aneuploidy syndrome 2 (MVA2). Identifiers: Orphanet 1052, MedGen C3279843, MONDO:0013582, OMIM 614114.
Inborn genetic diseases. Identifiers: MedGen C0950123, MeSH D030342.

Allele frequency attached by ClinVar (database versions not stated): gnomAD 0.00001; gnomAD exomes 0.00001; TOPMed 0.00001.
gnomAD v4.1: 6 of 1,613,886 alleles (0.00037%); highest among the groups gnomAD compares: Middle Eastern, 0.016%; no homozygotes.

Submissions (2):

Ambry Genetics
Classification: Uncertain significance for Inborn genetic diseases. Last evaluated: 2025-11-08. Review status: criteria provided, single submitter. Criteria: Ambry Variant Classification Scheme 2023. Collection method: clinical testing. Allele origin: germline.
Comment: The p.S184G variant (also known as c.550A>G), located in coding exon 5 of the CEP57 gene, results from an A to G substitution at nucleotide position 550. The serine at codon 184 is replaced by glycine, an amino acid with similar properties. This amino acid position is conserved. In addition, this alteration is predicted to be tolerated by in silico analysis. Based on the available evidence, the clinical significance of this variant remains unclear.

Labcorp Genetics (formerly Invitae), Labcorp
Classification: Uncertain significance for Mosaic variegated aneuploidy syndrome 2. Last evaluated: 2021-09-09. Review status: criteria provided, single submitter. Criteria: Invitae Variant Classification Sherloc (09022015). Collection method: clinical testing. Allele origin: germline.
Comment: This sequence change replaces serine with glycine at codon 184 of the CEP57 protein (p.Ser184Gly). The serine residue is moderately conserved and there is a small physicochemical difference between serine and glycine. This variant is not present in population databases (ExAC no frequency). This variant has not been reported in the literature in individuals affected with CEP57-related conditions. Algorithms developed to predict the effect of missense changes on protein structure and function (SIFT, PolyPhen-2, Align-GVGD) all suggest that this variant is likely to be tolerated. In summary, the available evidence is currently insufficient to determine the role of this variant in disease. Therefore, it has been classified as a Variant of Uncertain Significance.

NM_014679.5(CEP57):c.550A>G (p.Ser184Gly)

Gene: CEP57 (centrosomal protein 57; plus strand). Cytogenetic location: 11q21.
Variant type: single nucleotide variant.
Coding change: c.550A>G on transcript NM_014679.5 (MANE Select); coding-DNA position 550, A replaced by G.
Protein change: p.Ser184Gly; replaces serine 184 with glycine.
Molecular consequence: missense variant.
Genome position (GRCh38, 1-based): chr11:95,817,832, A>G. VCF-style: chr11-95817832-A-G. GRCh37 (hg19) VCF-style: chr11-95550996-A-G.
Other names: c.523A>G, p.Ser175Gly (NM_001243776.2); c.550A>G, p.Ser184Gly (NM_001243777.2); c.469A>G, p.Ser157Gly (NM_001363604.2); c.550A>G (NM_014679.4); short protein forms S157G, S175G, S184G.
Identifiers: ClinVar variation 1005438 (VCV001005438.7), dbSNP rs1336581104, ClinGen allele CA382422838.
Genomic context (GRCh38, chr11:95,817,832, plus strand): 5'-AATATTGTTTTTCAGGTTTCCCTAGAAAGAGAACGACAACATGATCAAACACATGTTCAG[A>G]GCCAACTTGAAAAATTGGATCTTCTTGAACAGGAGTATAACAAACTTACCACAATGCAGG-3'
Protein context (NP_055494.2, residues 174-194): ERQHDQTHVQ[Ser184Gly]QLEKLDLLEQ